The following is an entry in ClinVar:

NM_001085.5(SERPINA3):c.370C>G (p.Arg124Gly)

Gene: SERPINA3 (serpin family A member 3; plus strand). Cytogenetic location: 14q32.13.
Variant type: single nucleotide variant.
Coding change: c.370C>G on transcript NM_001085.5 (MANE Select); coding-DNA position 370, C replaced by G.
Protein change: p.Arg124Gly; replaces arginine 124 with glycine.
Molecular consequence: missense variant.
Genome position (GRCh38, 1-based): chr14:94,614,811, C>G. VCF-style: chr14-94614811-C-G. GRCh37 (hg19) VCF-style: chr14-95081148-C-G.
Other names: c.370C>G, p.Arg124Gly (NM_001384672.1, NM_001384673.1, NM_001384674.1); short protein forms R124G.
Identifiers: ClinVar variation 1049597 (VCV001049597.1), dbSNP rs116880457, ClinGen allele CA390854078.

ClinVar aggregate classification (germline): Uncertain significance (0 of 4 stars; one submission).

gnomAD v4.1: 1 of 1,614,188 alleles (0.000062%); highest among the groups gnomAD compares: Non-Finnish European, 0.000085%; no homozygotes.

Submission:

Department of Pathology and Laboratory Medicine, Sinai Health System
Classification: Uncertain significance. Review status: no assertion criteria provided. Collection method: clinical testing. Allele origin: unknown. Affected: yes. Study: The Canadian Open Genetics Repository (COGR).
Comment: The SERPINA3 p.Arg124Gly variant was not identified in the literature nor was it identified in dbSNP, ClinVar or in the following control databases: the 1000 Genomes Project, the NHLBI GO Exome Sequencing Project, or the Genome Aggregation Database (March 6, 2019, v2.1.1). The p.Arg124 residue is not conserved in mammals and computational analyses (PolyPhen-2, SIFT, AlignGVGD, BLOSUM, MutationTaster) provide inconsistent predictions regarding the impact to the protein; this information is not very predictive of pathogenicity. The variant occurs outside of the splicing consensus sequence and in silico or computational prediction software programs (SpliceSiteFinder, MaxEntScan, NNSPLICE, GeneSplicer) do not predict a difference in splicing. In summary, based on the above information the clinical significance of this variant cannot be determined with certainty at this time. This variant is classified as a variant of uncertain significance.